The following is an entry in ClinVar:

NM_004700.4(KCNQ4):c.546C>G (p.Phe182Leu)

Genes: KCNQ4 (potassium voltage-gated channel subfamily Q member 4; plus strand), LOC129930282 (ATAC-STARR-seq lymphoblastoid active region 855; plus strand). Cytogenetic location: 1p34.2.
Variant type: single nucleotide variant.
Coding change: c.546C>G on transcript NM_004700.4 (MANE Select); coding-DNA position 546, C replaced by G.
Protein change: p.Phe182Leu; replaces phenylalanine 182 with leucine.
Molecular consequence: missense variant.
Genome position (GRCh38, 1-based): chr1:40,818,518, C>G. VCF-style: chr1-40818518-C-G. GRCh37 (hg19) VCF-style: chr1-41284190-C-G.
Other names: c.546C>G, p.Phe182Leu (NM_172163.3); short protein forms F182L.
Identifiers: ClinVar variation 21424 (VCV000021424.13), dbSNP rs80358273, ClinGen allele CA342051.
Genomic context (GRCh38, chr1:40,818,518, plus strand): 5'-GTGCGCGGGGTAGGCTGGCTGTGATCTCGCCGCCCCCGCCCCTGCAGACTTCATCGTGTT[C>G]GTGGCCTCGGTGGCCGTCATCGCCGCGGGTACCCAGGGCAACATCTTCGCCACGTCCGCG-3'
Protein context (NP_004691.2, residues 172-192): KPFCVIDFIV[Phe182Leu]VASVAVIAAG

ClinVar aggregate classification (germline): Conflicting classifications of pathogenicity. Review status: criteria provided, conflicting classifications (1 of 4 stars). 5 submissions from 5 submitters: Uncertain significance (1); Benign (1); Likely benign (1). 2 of the submissions do not count toward it. Last evaluated 2024-10-23.

Conditions:
KCNQ4-related disorder. Also called: KCNQ4-related condition.
Autosomal dominant nonsyndromic hearing loss 2A. Also called: DFNA2 Nonsyndromic Hearing Loss; Deafness, autosomal dominant 2A; Autosomal dominant nonsyndromic deafness 2A. Identifiers: Orphanet 90635, MedGen C2677637, MONDO:0010817, OMIM 600101.

Allele frequency attached by ClinVar (database versions not stated): gnomAD exomes 0.00008 and 0.00033; gnomAD 0.00011 and 0.00014; TOPMed 0.00016; ExAC 0.00033; 1000 Genomes Project 30x 0.00047; 1000 Genomes Project 0.00060.
gnomAD v4.1: 146 of 1,601,810 alleles (0.0091%); highest among the groups gnomAD compares: East Asian, 0.31%; no homozygotes.

Submissions (5):

Labcorp Genetics (formerly Invitae), Labcorp
Classification: Benign. Last evaluated: 2024-10-23. Review status: criteria provided, single submitter. Criteria: Invitae Variant Classification Sherloc (09022015). Collection method: clinical testing. Allele origin: germline.

Mendelics
Classification: Uncertain significance. Last evaluated: 2022-05-04. Review status: criteria provided, single submitter. Criteria: Mendelics Assertion Criteria 2019. Collection method: clinical testing. Allele origin: germline.

GeneDx
Classification: Likely benign. Last evaluated: 2020-09-23. Review status: criteria provided, single submitter. Criteria: GeneDx Variant Classification Process June 2021. Collection method: clinical testing. Allele origin: germline. Affected: yes.
Comment: This variant is associated with the following publications: (PMID: 20966080, 27018795, 30828794, 17033161, 25116015, 23717403, 21951272)

PreventionGenetics, part of Exact Sciences
Classification: Likely benign for KCNQ4-related condition. Last evaluated: 2024-02-08. Review status: no assertion criteria provided. Collection method: clinical testing. Allele origin: germline. Not counted in ClinVar's aggregate classification.
Comment: This variant is classified as likely benign based on ACMG/AMP sequence variant interpretation guidelines (Richards et al. 2015 PMID: 25741868, with internal and published modifications).

ClinVar Staff, National Center for Biotechnology Information (NCBI)
Classification: Pathogenic for Autosomal dominant nonsyndromic hearing loss 2A. Last evaluated: 2015-08-20. Review status: flagged submission. Collection method: literature only. Allele origin: germline. Affected: yes. Not counted in ClinVar's aggregate classification.
Comment: This variant used to be reported in GeneReviews NBK1209.
ClinVar note: Reason: Older and outlier claim with insufficient supporting evidence

Literature cited by the submitters: PubMed 26036578 (cited by ClinVar Staff, National Center for Biotechnology Information (NCBI)); PubMed 20301388 (cited by ClinVar Staff, National Center for Biotechnology Information (NCBI)).